The following is an entry in ClinVar:

NM_000020.3(ACVRL1):c.905T>G (p.Leu302Arg)

Gene: ACVRL1 (activin A receptor like type 1; plus strand). Cytogenetic location: 12q13.13.
Variant type: single nucleotide variant.
Coding change: c.905T>G on transcript NM_000020.3 (MANE Select); coding-DNA position 905, T replaced by G.
Protein change: p.Leu302Arg; replaces leucine 302 with arginine.
Molecular consequence: missense variant.
Genome position (GRCh38, 1-based): chr12:51,915,357, T>G. VCF-style: chr12-51915357-T-G. GRCh37 (hg19) VCF-style: chr12-52309141-T-G.
Other names: c.593T>G, p.Leu198Arg (NM_001406491.1, NM_001406492.1, NM_001406493.1 and 2 more transcripts); c.341T>G, p.Leu114Arg (NM_001406495.1); c.905T>G, p.Leu302Arg (NM_001077401.2, NM_001406487.1, NM_001406488.1 and 1 more transcripts); short protein forms L114R, L198R, L302R.
Identifiers: ClinVar variation 2575935 (VCV002575935.1), dbSNP rs1565594217, ClinGen allele CA384900901.

ClinVar aggregate classification (germline): Pathogenic (1 of 4 stars; one submission).

Submission:

Institute for Clinical Genetics, University Hospital TU Dresden, University Hospital TU Dresden
Classification: Pathogenic. Last evaluated: 2023-01-06. Review status: criteria provided, single submitter. Criteria: ACMG Guidelines, 2015. Collection method: clinical testing. Allele origin: germline.
Comment: PM1, PP3, PM5, PP4, PS4, PM2_SUP